The following is an entry in ClinVar:

ClinVar aggregate classification (germline): Uncertain significance (1 of 4 stars; one submission).

gnomAD v4.1: 1 of 1,614,208 alleles (0.000062%); highest among the groups gnomAD compares: Non-Finnish European, 0.000085%; no homozygotes.

Submission:

GeneDx
Classification: Uncertain significance. Last evaluated: 2024-09-17. Review status: criteria provided, single submitter. Criteria: GeneDx Variant Classification Process June 2021. Collection method: clinical testing. Allele origin: germline. Affected: yes.
Comment: Not observed at significant frequency in large population cohorts (gnomAD); In silico analysis supports that this missense variant has a deleterious effect on protein structure/function; Has not been previously published as pathogenic or benign to our knowledge

NM_016628.5(WAC):c.1015T>C (p.Ser339Pro)

Gene: WAC (WW domain containing adaptor with coiled-coil; plus strand). Cytogenetic location: 10p12.1.
Variant type: single nucleotide variant.
Coding change: c.1015T>C on transcript NM_016628.5 (MANE Select); coding-DNA position 1015, T replaced by C.
Protein change: p.Ser339Pro; replaces serine 339 with proline.
Molecular consequence: missense variant.
Genome position (GRCh38, 1-based): chr10:28,608,281, T>C. VCF-style: chr10-28608281-T-C. GRCh37 (hg19) VCF-style: chr10-28897210-T-C.
Other names: c.880T>C, p.Ser294Pro (NM_100264.3); c.706T>C, p.Ser236Pro (NM_100486.4); short protein forms S236P, S294P, S339P.
Identifiers: ClinVar variation 3769746 (VCV003769746.1).
Genomic context (GRCh38, chr10:28,608,281, plus strand): 5'-TGCACAACTCCTTCCACGTCTTCTGCCTCTGGACTGAACCCCACATCTGCACCTCCAACA[T>C]CTGCTTCAGCGGTCCCTGTTTCTCCTGTTCCACAGTCGCCAATACCTCCCTTACTTCAGG-3'
Protein context (NP_057712.2, residues 329-349): GLNPTSAPPT[Ser339Pro]ASAVPVSPVP